The following is an entry in ClinVar:

NM_000095.3(COMP):c.1754C>T (p.Thr585Met)

Gene: COMP (cartilage oligomeric matrix protein; minus strand). Cytogenetic location: 19p13.11.
Variant type: single nucleotide variant.
Coding change: c.1754C>T on transcript NM_000095.3 (MANE Select); coding-DNA position 1754, C replaced by T.
Protein change: p.Thr585Met; replaces threonine 585 with methionine.
Molecular consequence: missense variant.
Genome position (GRCh38, 1-based): chr19:18,785,056, G>A on the plus strand (C>T on the coding strand, the complement: COMP is on the minus strand). VCF-style: chr19-18785056-G-A. GRCh37 (hg19) VCF-style: chr19-18895866-G-A.
Other names: short protein forms T585M.
Identifiers: ClinVar variation 40995 (VCV000040995.21), dbSNP rs312262900, ClinGen allele CA343861.

ClinVar aggregate classification (germline): Pathogenic. Review status: criteria provided, multiple submitters, no conflicts (2 of 4 stars). 7 submissions from 6 submitters: Pathogenic (4). 3 of the submissions do not count toward it. Last evaluated 2026-08-29.

Conditions:
COMP-related disorder. Also called: COMP-related condition; COMP-related disorders.
Multiple epiphyseal dysplasia. Also called: Multiple epiphyseal dysplasia (disease). Identifiers: Orphanet 251, MedGen C0026760, MONDO:0016648, HP:0002654.
Pseudoachondroplastic spondyloepiphyseal dysplasia syndrome (PSACH). Also called: PSEUDOACHONDROPLASTIC DYSPLASIA; COMP-Related Pseudoachondroplasia; Pseudoachondroplasia. Identifiers: Orphanet 750, MedGen C0410538, MONDO:0008322, OMIM 177170.

Allele frequency attached by ClinVar (database versions not stated): TOPMed below 0.00001.

Submissions (7):

GeneDx
Classification: Pathogenic. Last evaluated: 2026-08-29. Review status: criteria provided, single submitter. Criteria: GeneDx Variant Classification Process June 2021. Collection method: clinical testing. Allele origin: germline.
Comment: Functional studies demonstrate that T585M mouse models exhibit slow growth, mildly shortened limbs, degeneration of articular cartilage, and reduced chondrocyte proliferation with cellular disorganization (PMID: 17588960); Not observed at significant frequency in large population cohorts (gnomAD); In silico analysis supports that this missense variant has a deleterious effect on protein structure/function; This variant is associated with the following publications: (PMID: 24595329, 23956175, 17570134, 24558358, 21922596, 9463320, 17588960, 38702915)

Labcorp Genetics (formerly Invitae), Labcorp
Classification: Pathogenic. Last evaluated: 2025-11-22. Review status: criteria provided, single submitter. Criteria: Invitae Variant Classification Sherloc (09022015). Collection method: clinical testing. Allele origin: germline.
Comment: This sequence change replaces threonine, which is neutral and polar, with methionine, which is neutral and non-polar, at codon 585 of the COMP protein (p.Thr585Met). This variant is not present in population databases (gnomAD no frequency). This missense change has been observed in individuals with COMP-related skeletal dysplasia (PMID: 9463320, 11565064). It has also been observed to segregate with disease in related individuals. ClinVar contains an entry for this variant (Variation ID: 40995). Invitae Evidence Modeling of protein sequence and biophysical properties (such as structural, functional, and spatial information, amino acid conservation, physicochemical variation, residue mobility, and thermodynamic stability) indicates that this missense variant is expected to disrupt COMP protein function with a positive predictive value of 80%. Experimental studies are conflicting or provide insufficient evidence to determine the effect of this variant on COMP function (PMID: 17570134, 23956175). For these reasons, this variant has been classified as Pathogenic.

3billion
Classification: Pathogenic for COMP-related disorder. Last evaluated: 2024-12-19. Review status: criteria provided, single submitter. Criteria: ACMG Guidelines, 2015. Collection method: clinical testing. Allele origin: germline. Affected: yes.
Comment: The variant is not observed in the gnomAD v4.1.0 dataset. Predicted Consequence/Location: Missense variant. Missense changes are a common disease-causing mechanism. In silico tool predictions suggest damaging effect of the variant on gene or gene product [REVEL: 0.93 (>=0.6, sensitivity 0.68 and specificity 0.92); 3Cnet: 0.81 (>=0.6, sensitivity 0.72 and precision 0.9)]. The same nucleotide change resulting in the same amino acid change has been previously reported as pathogenic/likely pathogenic with strong evidence (ClinVar ID: VCV000040995 /PMID: 9463320). The variant has been observed in at least two similarly affected unrelated individuals (PMID: 11565064, 9463320). The variant has been reported to co-segregate with the disease in at least 5 similarly affected relatives/individuals in the same family or similarly affected unrelated families (PMID: 9463320). Different missense changes at the same codon (p.Thr585Arg, p.Thr585Lys) have been reported to be associated with COMP-related disorder (ClinVar ID: VCV000040994 /PMID: 21922596, 9463320). Therefore, this variant is classified as Pathogenic according to the recommendation of ACMG/AMP guideline.

Blueprint Genetics
Classification: Pathogenic for COMP-related disorders. Last evaluated: 2018-01-08. Review status: criteria provided, single submitter. Criteria: ACMG Guidelines, 2015. Collection method: clinical testing. Allele origin: germline. Affected: yes. Observed: 1 variant allele.

PreventionGenetics, part of Exact Sciences
Classification: Pathogenic for COMP-related condition. Last evaluated: 2024-08-11. Review status: no assertion criteria provided. Collection method: clinical testing. Allele origin: germline. Not counted in ClinVar's aggregate classification.
Comment: The COMP c.1754C>T variant is predicted to result in the amino acid substitution p.Thr585Met. This variant has been reported in a few individuals with pseudoachondroplasia (PSACH) or multiple epiphyseal dysplasia (MED) (Briggs et al 1998. PubMed ID: 9463320; Czarny-Ratajczak et al. 2001. PubMed ID: 11565064).  Different substitutions affecting the same amino acid residue (p.Thr585Arg and p.Thr585Lys) have also reported in individuals with PSACH and MED (Briggs et al 1998. PubMed ID: 9463320; Briggs. 2014. PubMed ID: 24595329). Functional studies suggest that p.Thr585Met substitution led to a delayed cellular trafficking of COMP protein (Chen et al 2008. PubMed ID: 17570134) and the p.Thr585Met mice are reported to have a phenotype that resembles human pseudoachondroplasia (Piróg-Garcia et al. 2007. PubMed ID: 17588960). This variant has not been reported in a large population database, indicating this variant is rare. This variant is interpreted as pathogenic.

GeneReviews
No classification provided. Condition: Pseudoachondroplastic spondyloepiphyseal dysplasia syndrome. Review status: no classification provided. Collection method: literature only. Allele origin: germline. Not counted in ClinVar's aggregate classification.

GeneReviews
No classification provided. Condition: Multiple epiphyseal dysplasia. Review status: no classification provided. Collection method: literature only. Allele origin: germline. Not counted in ClinVar's aggregate classification.

Literature cited by the submitters: PubMed 9463320 (cited by Labcorp Genetics (formerly Invitae), Labcorp and 3billion); PubMed 11565064 (cited by Labcorp Genetics (formerly Invitae), Labcorp and 3billion); PubMed 17570134 (cited by Labcorp Genetics (formerly Invitae), Labcorp); PubMed 23956175 (cited by Labcorp Genetics (formerly Invitae), Labcorp); PubMed 21922596 (cited by 3billion); NCBI Bookshelf NBK1123 (cited by GeneReviews).